The following is an entry in ClinVar:

NM_000426.4(LAMA2):c.4523G>C (p.Arg1508Thr)

Gene: LAMA2 (laminin subunit alpha 2; plus strand). Cytogenetic location: 6q22.33.
Variant type: single nucleotide variant.
Coding change: c.4523G>C on transcript NM_000426.4 (MANE Select); coding-DNA position 4523, G replaced by C.
Protein change: p.Arg1508Thr; replaces arginine 1508 with threonine.
Molecular consequence: missense variant.
Genome position (GRCh38, 1-based): chr6:129,349,384, G>C. VCF-style: chr6-129349384-G-C. GRCh37 (hg19) VCF-style: chr6-129670529-G-C.
Other names: c.4523G>C, p.Arg1508Thr (NM_001079823.2); short protein forms R1508T.
Identifiers: ClinVar variation 1069368 (VCV001069368.9), dbSNP rs770084568, ClinGen allele CA365617605.

ClinVar aggregate classification (germline): Pathogenic (1 of 4 stars; one submission).

Conditions:
LAMA2-related muscular dystrophy (LAMA2-RD). Also called: Laminin alpha 2-related dystrophy. Identifiers: MedGen C5679788, MONDO:0100228.

gnomAD v4.1: 6 of 1,610,676 alleles (0.00037%); highest among the groups gnomAD compares: Non-Finnish European, 0.00051%; no homozygotes.

Submission:

Labcorp Genetics (formerly Invitae), Labcorp
Classification: Pathogenic for LAMA2-related muscular dystrophy. Last evaluated: 2020-10-20. Review status: criteria provided, single submitter. Criteria: Invitae Variant Classification Sherloc (09022015). Collection method: clinical testing. Allele origin: germline.
Comment: This variant disrupts the c.4523G nucleotide in the LAMA2 gene. Other variant(s) that disrupt this nucleotide have been determined to be pathogenic (PMID: 30055037). This suggests that this nucleotide is clinically significant, and that variants that disrupt this position are likely to be disease-causing. This sequence change replaces arginine with threonine at codon 1508 of the LAMA2 protein (p.Arg1508Thr). The arginine residue is highly conserved and there is a moderate physicochemical difference between arginine and threonine. This variant also falls at the last nucleotide of exon 31, which is part of the consensus splice site for this exon. This variant is not present in population databases (ExAC no frequency). This variant has been observed in individual(s) with congenital muscular dystrophy (PMID: 27159402). In at least one individual the data is consistent with the variant being in trans (on the opposite chromosome) from a pathogenic variant. Algorithms developed to predict the effect of missense changes on protein structure and function are either unavailable or do not agree on the potential impact of this missense change (SIFT: "Tolerated"; PolyPhen-2: "Probably Damaging"; Align-GVGD: "Class C0"). Nucleotide substitutions within the consensus splice site are a relatively common cause of aberrant splicing (PMID: 17576681, 9536098). Algorithms developed to predict the effect of sequence changes on RNA splicing suggest that this variant may disrupt the consensus splice site, but this prediction has not been confirmed by published transcriptional studies. For these reasons, this variant has been classified as Pathogenic.

Literature cited by the submitters: PubMed 30055037; PubMed 27159402; PubMed 17576681; PubMed 9536098.